The following is an entry in ClinVar:

NC_000020.10:g.(?_44519965)_(44751017_?)del

Genes: CD40 (CD40 molecule; plus strand), CTSA (cathepsin A; plus strand), MMP9 (matrix metallopeptidase 9; plus strand), NCOA5 (nuclear receptor coactivator 5; minus strand), PCIF1 (phosphorylated CTD interacting factor 1; plus strand) and 3 more. Cytogenetic location: 20q13.12.
Variant type: Deletion.
Identifiers: ClinVar variation 3248233 (VCV003248233.1).

ClinVar aggregate classification (germline): Pathogenic (1 of 4 stars; one submission).

Conditions:
Combined deficiency of sialidase AND beta galactosidase (GSL). Also called: NEURAMINIDASE DEFICIENCY WITH BETA-GALACTOSIDASE DEFICIENCY; NEURAMINIDASE/BETA-GALACTOSIDASE EXPRESSION; Galactosialidosis; PPCA DEFICIENCY; PROTECTIVE PROTEIN/CATHEPSIN A DEFICIENCY; CATHEPSIN A DEFICIENCY. Identifiers: Orphanet 351, MedGen C0268233, MONDO:0009737, OMIM 256540.

Submission:

Labcorp Genetics (formerly Invitae), Labcorp
Classification: Pathogenic for Combined deficiency of sialidase AND beta galactosidase. Last evaluated: 2024-01-12. Review status: criteria provided, single submitter. Criteria: Invitae Variant Classification Sherloc (09022015). Collection method: clinical testing. Allele origin: unknown.
Comment: A gross deletion of the genomic region encompassing the full coding sequence of the CTSA gene has been identified. Loss-of-function variants in CTSA are known to be pathogenic (PMID: 15110321, 23915561). The boundaries of this event are unknown as they extend beyond the assayed region for this gene and therefore may encompass additional genes. This variant has not been reported in the literature in individuals affected with CTSA-related conditions. For these reasons, this variant has been classified as Pathogenic.

Literature cited by the submitters: PubMed 15110321; PubMed 23915561.